The following is an entry in ClinVar:

ClinVar aggregate classification (germline): Likely benign (1 of 4 stars; one submission).

gnomAD v4.1: 1 of 1,207,316 alleles (0.000083%); highest among the groups gnomAD compares: Non-Finnish European, 0.00011%; no homozygotes.

Submission:

CeGaT Center for Human Genetics Tuebingen
Classification: Likely benign. Last evaluated: 2025-08-01. Review status: criteria provided, single submitter. Criteria: CeGaT Center For Human Genetics Tuebingen Variant Classification Criteria Version 2. Collection method: clinical testing. Allele origin: germline. Affected: yes. Observed: 1 variant allele.
Comment: GPC3: BP4, BP7

NM_004484.4(GPC3):c.273G>A (p.Gln91=)

Gene: GPC3 (glypican 3; minus strand). Cytogenetic location: Xq26.2.
Variant type: single nucleotide variant.
Coding change: c.273G>A on transcript NM_004484.4 (MANE Select); coding-DNA position 273, G replaced by A.
Protein change: p.Gln91=; no amino-acid change (glutamine 91 retained).
Molecular consequence: synonymous variant. On other transcripts: intron variant (1).
Genome position (GRCh38, 1-based): chrX:133,953,114, C>T on the plus strand (G>A on the coding strand, the complement: GPC3 is on the minus strand). VCF-style: chrX-133953114-C-T. GRCh37 (hg19) VCF-style: chrX-133087141-C-T.
Other names: c.273G>A, p.Gln91= (NM_001164617.2, NM_001164618.2); c.175+32161G>A (NM_001164619.2).
Identifiers: ClinVar variation 4083925 (VCV004083925.8).